The following is an entry in ClinVar:

ClinVar aggregate classification (germline): Uncertain significance (1 of 4 stars; one submission).

Submission:

GeneDx
Classification: Uncertain significance. Last evaluated: 2026-03-21. Review status: criteria provided, single submitter. Criteria: GeneDx Variant Classification Process June 2021. Collection method: clinical testing. Allele origin: germline.
Comment: Not observed at significant frequency in large population cohorts (gnomAD); In silico analysis supports that this missense variant has a deleterious effect on protein structure/function; Has not been previously published as pathogenic or benign to our knowledge

NM_001134407.3(GRIN2A):c.1025C>T (p.Thr342Ile)

Gene: GRIN2A (glutamate ionotropic receptor NMDA type subunit 2A; minus strand). Cytogenetic location: 16p13.2.
Variant type: single nucleotide variant.
Coding change: c.1025C>T on transcript NM_001134407.3 (MANE Select); coding-DNA position 1025, C replaced by T.
Protein change: p.Thr342Ile; replaces threonine 342 with isoleucine.
Molecular consequence: missense variant.
Genome position (GRCh38, 1-based): chr16:9,891,083, G>A on the plus strand (C>T on the coding strand, the complement: GRIN2A is on the minus strand). VCF-style: chr16-9891083-G-A. GRCh37 (hg19) VCF-style: chr16-9984940-G-A.
Other names: c.1025C>T, p.Thr342Ile (NM_000833.5, NM_001134408.2); short protein forms T342I.
Identifiers: ClinVar variation 5009574 (VCV005009574.1).